The following is an entry in ClinVar:

ClinVar aggregate classification (germline): Conflicting classifications of pathogenicity. Review status: criteria provided, conflicting classifications (1 of 4 stars). 2 submissions from 2 submitters: Uncertain significance (1); Likely benign (1). Last evaluated 2025-09-18.

Conditions:
Inborn genetic diseases. Identifiers: MedGen C0950123, MeSH D030342.

gnomAD v4.1: 88 of 1,613,714 alleles (0.0055%); highest among the groups gnomAD compares: Non-Finnish European, 0.0069%; no homozygotes.

Submissions (2):

GeneDx
Classification: Uncertain significance. Last evaluated: 2025-09-18. Review status: criteria provided, single submitter. Criteria: GeneDx Variant Classification Process June 2021. Collection method: clinical testing. Allele origin: germline.
Comment: In silico analysis supports that this missense variant has a deleterious effect on protein structure/function; Has not been previously published as pathogenic or benign to our knowledge

Ambry Genetics
Classification: Likely benign for Inborn genetic diseases. Last evaluated: 2025-04-01. Review status: criteria provided, single submitter. Criteria: Ambry Variant Classification Scheme 2023. Collection method: clinical testing. Allele origin: germline.

NM_198334.3(GANAB):c.910G>A (p.Ala304Thr)

Gene: GANAB (glucosidase II alpha subunit; minus strand). Cytogenetic location: 11q12.3.
Variant type: single nucleotide variant.
Coding change: c.910G>A on transcript NM_198334.3 (MANE Select); coding-DNA position 910, G replaced by A.
Protein change: p.Ala304Thr; replaces alanine 304 with threonine.
Molecular consequence: missense variant.
Genome position (GRCh38, 1-based): chr11:62,632,651, C>T on the plus strand (G>A on the coding strand, the complement: GANAB is on the minus strand). VCF-style: chr11-62632651-C-T. GRCh37 (hg19) VCF-style: chr11-62400123-C-T.
Other names: c.634G>A, p.Ala212Thr (NM_001278192.2); c.568G>A, p.Ala190Thr (NM_001278193.2); c.619G>A, p.Ala207Thr (NM_001278194.2, NM_001329222.2, NM_001329223.2); c.187G>A, p.Ala63Thr (NM_001329224.2, NM_001329225.2); c.976G>A, p.Ala326Thr (NM_198335.4); c.976G>A (NM_198335.2); short protein forms A190T, A207T, A212T, A304T, A326T, A63T.
Identifiers: ClinVar variation 3767831 (VCV003767831.3).